The following is an entry in ClinVar:

ClinVar aggregate classification (germline): Uncertain significance. Review status: criteria provided, multiple submitters, no conflicts (2 of 4 stars). 2 submissions from 2 submitters: Uncertain significance (2). Last evaluated 2025-12-21.

Conditions:
Cardiovascular phenotype. Identifiers: MedGen CN230736.
RASopathy. Also called: rasopathies; Noonan spectrum disorder. Identifiers: Orphanet 536391, MedGen C5555857, MONDO:0021060.

Allele frequency attached by ClinVar (database versions not stated): gnomAD exomes 0.00001.

Submissions (2):

Labcorp Genetics (formerly Invitae), Labcorp
Classification: Uncertain significance for RASopathy. Last evaluated: 2025-12-21. Review status: criteria provided, single submitter. Criteria: Invitae Variant Classification Sherloc (09022015). Collection method: clinical testing. Allele origin: germline.
Comment: This sequence change replaces glycine, which is neutral and non-polar, with serine, which is neutral and polar, at codon 217 of the MAP2K2 protein (p.Gly217Ser). This variant is not present in population databases (gnomAD no frequency). This variant has not been reported in the literature in individuals affected with MAP2K2-related conditions. ClinVar contains an entry for this variant (Variation ID: 1753878). Invitae Evidence Modeling of protein sequence and biophysical properties (such as structural, functional, and spatial information, amino acid conservation, physicochemical variation, residue mobility, and thermodynamic stability) has been performed for this missense variant. However, the output from this modeling did not meet the statistical confidence thresholds required to predict the impact of this variant on MAP2K2 protein function. In summary, the available evidence is currently insufficient to determine the role of this variant in disease. Therefore, it has been classified as a Variant of Uncertain Significance.

Ambry Genetics
Classification: Uncertain significance for Cardiovascular phenotype. Last evaluated: 2025-06-01. Review status: criteria provided, single submitter. Criteria: Ambry Variant Classification Scheme 2023. Collection method: clinical testing. Allele origin: germline.
Comment: The p.G217S variant (also known as c.649G>A), located in coding exon 6 of the MAP2K2 gene, results from a G to A substitution at nucleotide position 649. The glycine at codon 217 is replaced by serine, an amino acid with similar properties. This amino acid position is conserved. In addition, this alteration is predicted to be deleterious by in silico analysis. Since supporting evidence is limited at this time, the clinical significance of this alteration remains unclear.

NM_030662.4(MAP2K2):c.649G>A (p.Gly217Ser)

Gene: MAP2K2 (mitogen-activated protein kinase kinase 2; minus strand). Cytogenetic location: 19p13.3.
Variant type: single nucleotide variant.
Coding change: c.649G>A on transcript NM_030662.4 (MANE Select); coding-DNA position 649, G replaced by A.
Protein change: p.Gly217Ser; replaces glycine 217 with serine.
Molecular consequence: missense variant.
Genome position (GRCh38, 1-based): chr19:4,101,075, C>T on the plus strand (G>A on the coding strand, the complement: MAP2K2 is on the minus strand). VCF-style: chr19-4101075-C-T. GRCh37 (hg19) VCF-style: chr19-4101073-C-T.
Other names: short protein forms G217S.
Identifiers: ClinVar variation 1753878 (VCV001753878.5), dbSNP rs756402608, ClinGen allele CA9090860.